The following is an entry in ClinVar:

NM_014714.4(IFT140):c.1514G>A (p.Arg505Gln)

Genes: IFT140 (intraflagellar transport 140; minus strand), LOC105371046 (uncharacterized LOC105371046; plus strand). Cytogenetic location: 16p13.3.
Variant type: single nucleotide variant.
Coding change: c.1514G>A on transcript NM_014714.4 (MANE Select); coding-DNA position 1514, G replaced by A.
Protein change: p.Arg505Gln; replaces arginine 505 with glutamine.
Molecular consequence: missense variant.
Genome position (GRCh38, 1-based): chr16:1,580,769, C>T on the plus strand (G>A on the coding strand, the complement: IFT140 is on the minus strand). VCF-style: chr16-1580769-C-T. GRCh37 (hg19) VCF-style: chr16-1630770-C-T.
Other names: short protein forms R505Q.
Identifiers: ClinVar variation 2142002 (VCV002142002.3), dbSNP rs867074389, ClinGen allele CA276677834.

ClinVar aggregate classification (germline): Uncertain significance. Review status: criteria provided, multiple submitters, no conflicts (2 of 4 stars). 2 submissions from 2 submitters: Uncertain significance (2). Last evaluated 2025-06-12.

Conditions:
Retinal dystrophy. Also called: Inherited retinal dystrophy. Identifiers: Orphanet 71862, MedGen C0854723, MeSH D058499, MONDO:0019118, HP:0000556.
Saldino-Mainzer syndrome (SRTD9). Also called: short-rib thoracic dysplasia 9 with or without polydactyly; CONORENAL SYNDROME; Renal dysplasia, retinal pigmentary dystrophy, cerebellar ataxia and skeletal dysplasia; SHORT-RIB THORACIC DYSPLASIA 9 WITHOUT POLYDACTYLY. Identifiers: Orphanet 140969, MedGen C1849437, MONDO:0009964, OMIM 266920.

Allele frequency attached by ClinVar (database versions not stated): gnomAD exomes 0.00001.
gnomAD v4.1: 16 of 1,612,906 alleles (0.00099%); highest among the groups gnomAD compares: Middle Eastern, 0.016%; no homozygotes.

Submissions (2):

Labcorp Genetics (formerly Invitae), Labcorp
Classification: Uncertain significance for Saldino-Mainzer syndrome. Last evaluated: 2025-06-12. Review status: criteria provided, single submitter. Criteria: Invitae Variant Classification Sherloc (09022015). Collection method: clinical testing. Allele origin: germline.
Comment: This sequence change replaces arginine, which is basic and polar, with glutamine, which is neutral and polar, at codon 505 of the IFT140 protein (p.Arg505Gln). This variant is present in population databases (no rsID available, gnomAD 0.0009%). This variant has not been reported in the literature in individuals affected with IFT140-related conditions. ClinVar contains an entry for this variant (Variation ID: 2142002). Invitae Evidence Modeling of protein sequence and biophysical properties (such as structural, functional, and spatial information, amino acid conservation, physicochemical variation, residue mobility, and thermodynamic stability) has been performed for this missense variant. However, the output from this modeling did not meet the statistical confidence thresholds required to predict the impact of this variant on IFT140 protein function. In summary, the available evidence is currently insufficient to determine the role of this variant in disease. Therefore, it has been classified as a Variant of Uncertain Significance.

Dept Of Ophthalmology, Nagoya University
Classification: Uncertain significance for Retinal dystrophy. Last evaluated: 2023-10-01. Review status: criteria provided, single submitter. Criteria: Submitter's publication. Collection method: research. Allele origin: germline. Affected: yes.